The following is an entry in ClinVar:

ClinVar aggregate classification (germline): Pathogenic. Review status: criteria provided, multiple submitters, no conflicts (2 of 4 stars). 4 submissions from 4 submitters: Pathogenic (4). Last evaluated 2025-05-15.

Conditions:
Hereditary cancer-predisposing syndrome. Also called: Hereditary Cancer Syndrome; Neoplastic Syndromes, Hereditary; Tumor predisposition; Hereditary neoplastic syndrome. Identifiers: Orphanet 140162, MedGen C0027672, MeSH D009386, MONDO:0015356.
Familial cancer of breast. Also called: Hereditary breast cancer; hereditary breast carcinoma; BREAST CANCER, FAMILIAL. Identifiers: Orphanet 227535, MedGen C0346153, MONDO:0016419, OMIM 114480. Disease mechanism: loss of function.
Ataxia-telangiectasia syndrome (AT). Also called: Ataxia telangiectasia (A-T); Ataxia-telangiectasia, complementation group E; LOUIS-BAR SYNDROME; Cerebello-oculocutaneous telangiectasia; Immunodeficiency with ataxia telangiectasia; Ataxia-telangiectasia, complementation group D. Identifiers: Orphanet 100, MedGen C0004135, MONDO:0008840, OMIM 208900.

Submissions (4):

Ambry Genetics
Classification: Pathogenic for Hereditary cancer-predisposing syndrome. Last evaluated: 2025-05-15. Review status: criteria provided, single submitter. Criteria: Ambry Variant Classification Scheme 2023. Collection method: clinical testing. Allele origin: germline.
Comment: The c.3252_3259delAGTTCGCA pathogenic mutation, located in coding exon 21 of the ATM gene, results from a deletion of 8 nucleotides at nucleotide positions 3252 to 3259, causing a translational frameshift with a predicted alternate stop codon (p.Q1084Hfs*9). This variant was identified amongst a cohort of 47 African American women with invasive breast cancer (Lovejoy LA et al. Fam Cancer, 2021 Jul;20:181-187). This variant is considered to be rare based on population cohorts in the Genome Aggregation Database (gnomAD). In addition to the clinical data presented in the literature, this alteration is expected to result in loss of function by premature protein truncation or nonsense-mediated mRNA decay. As such, this alteration is interpreted as a disease-causing mutation.

GeneDx
Classification: Pathogenic. Last evaluated: 2025-04-25. Review status: criteria provided, single submitter. Criteria: GeneDx Variant Classification Process June 2021. Collection method: clinical testing. Allele origin: germline. Affected: yes.
Comment: Frameshift variant predicted to result in protein truncation or nonsense mediated decay in a gene for which loss of function is a known mechanism of disease; Not observed at significant frequency in large population cohorts (gnomAD); Truncating variants in this gene are considered pathogenic by a well-established clinical consortium and/or database; Identified in a patient with ovarian cancer (PMID: 28888541); This variant is associated with the following publications: (PMID: 28888541)

Myriad Genetics, Inc.
Classification: Pathogenic for Familial cancer of breast. Last evaluated: 2024-01-19. Review status: criteria provided, single submitter. Criteria: Myriad Autosomal Dominant, Autosomal Recessive and X-Linked Classification Criteria (2023). Collection method: clinical testing. Allele origin: unknown.
Comment: This variant is considered pathogenic. This variant creates a frameshift predicted to result in premature protein truncation.

Labcorp Genetics (formerly Invitae), Labcorp
Classification: Pathogenic for Ataxia-telangiectasia syndrome. Last evaluated: 2023-03-16. Review status: criteria provided, single submitter. Criteria: Invitae Variant Classification Sherloc (09022015). Collection method: clinical testing. Allele origin: germline.
Comment: For these reasons, this variant has been classified as Pathogenic. ClinVar contains an entry for this variant (Variation ID: 230124). This variant has not been reported in the literature in individuals affected with ATM-related conditions. This variant is not present in population databases (gnomAD no frequency). This sequence change creates a premature translational stop signal (p.Gln1084Hisfs*9) in the ATM gene. It is expected to result in an absent or disrupted protein product. Loss-of-function variants in ATM are known to be pathogenic (PMID: 23807571, 25614872).

Literature cited by the submitters: PubMed 33083949 (cited by Ambry Genetics); PubMed 23807571 (cited by Labcorp Genetics (formerly Invitae), Labcorp); PubMed 25614872 (cited by Labcorp Genetics (formerly Invitae), Labcorp).

NM_000051.4(ATM):c.3252_3259del (p.Gln1084fs)

Gene: ATM (ATM serine/threonine kinase; plus strand). Cytogenetic location: 11q22.3.
Variant type: Deletion.
Coding change: c.3252_3259del on transcript NM_000051.4 (MANE Select); coding-DNA positions 3252 to 3259, 8 bases deleted (AGTTCGCA; older notation c.3252_3259delAGTTCGCA).
Protein change: p.Gln1084fs; shifts the reading frame from glutamine 1084.
Molecular consequence: frameshift variant.
Genome position (GRCh38, 1-based): chr11:108,272,820-108,272,827, AGTTCGCA deleted; deleting any 8 consecutive bases within chr11:108,272,818-108,272,827 gives the same sequence; the c. name uses the placement nearest the transcript's 3' end. VCF-style (leftmost placement, unchanged base first): chr11-108272817-CCAAGTTCG-C. GRCh37 (hg19) VCF-style: chr11-108143544-CCAAGTTCG-C.
Other names: c.3252_3259del (NM_000051.3); c.3252_3259delAGTTCGCA (NM_000051.3); c.3252_3259del, p.Gln1084fs (NM_001351834.2); short protein forms Q1084fs.
Identifiers: ClinVar variation 230124 (VCV000230124.14), dbSNP rs876658402, ClinGen allele CA10579091.